The following is an entry in ClinVar:

NM_003476.5(CSRP3):c.186T>G (p.Tyr62Ter)

Gene: CSRP3 (cysteine and glycine rich protein 3; minus strand). Cytogenetic location: 11p15.1.
Variant type: single nucleotide variant.
Coding change: c.186T>G on transcript NM_003476.5 (MANE Select); coding-DNA position 186, T replaced by G.
Protein change: p.Tyr62Ter; replaces tyrosine 62 with a stop codon.
Molecular consequence: nonsense. On other transcripts: intron variant (1).
Genome position (GRCh38, 1-based): chr11:19,188,231, A>C on the plus strand (T>G on the coding strand, the complement: CSRP3 is on the minus strand). VCF-style: chr11-19188231-A-C. GRCh37 (hg19) VCF-style: chr11-19209778-A-C.
Other names: c.186T>G, p.Tyr62Ter (NM_001127656.1); c.113-1883T>G (NM_001369404.1); short protein forms Y62*.
Identifiers: ClinVar variation 2932324 (VCV002932324.3), dbSNP rs2494223496, ClinGen allele CA379888301.

ClinVar aggregate classification (germline): Pathogenic (1 of 4 stars; one submission).

Conditions:
Hypertrophic cardiomyopathy 12. Identifiers: MedGen C2677491, MONDO:0012804, OMIM 612124.
Dilated cardiomyopathy 1M (CMD1M). Identifiers: Orphanet 154, MedGen C1843808, MONDO:0011840, OMIM 607482.

Allele frequency attached by ClinVar (database versions not stated): gnomAD exomes below 0.00001.

Submission:

Labcorp Genetics (formerly Invitae), Labcorp
Classification: Pathogenic for Hypertrophic cardiomyopathy 12; Dilated cardiomyopathy 1M. Last evaluated: 2025-04-17. Review status: criteria provided, single submitter. Criteria: Invitae Variant Classification Sherloc (09022015). Collection method: clinical testing. Allele origin: germline.
Comment: This sequence change creates a premature translational stop signal (p.Tyr62*) in the CSRP3 gene. It is expected to result in an absent or disrupted protein product. Loss-of-function variants in CSRP3 are known to be pathogenic (PMID: 12642359, 14567970, 16352453, 20087448, 34558151). This variant is not present in population databases (gnomAD no frequency). This variant has not been reported in the literature in individuals affected with CSRP3-related conditions. ClinVar contains an entry for this variant (Variation ID: 2932324). For these reasons, this variant has been classified as Pathogenic.

Literature cited by the submitters: PubMed 12642359; PubMed 14567970; PubMed 16352453; PubMed 20087448; PubMed 34558151.